The following is an entry in ClinVar:

ClinVar aggregate classification (germline): Pathogenic/Likely pathogenic. Review status: criteria provided, multiple submitters, no conflicts (2 of 4 stars). 9 submissions from 9 submitters: Pathogenic (2); Likely pathogenic (3). 4 of the submissions do not count toward it. Last evaluated 2025-07-01.

Conditions:
Inborn genetic diseases. Identifiers: MedGen C0950123, MeSH D030342.
Brain small vessel disease 2A, autosomal dominant. Also called: Porencephaly 2. Identifiers: Orphanet 2940, Orphanet 99810, MedGen C3280970, MONDO:0013773, OMIM 614483.
Hemorrhage, intracerebral, susceptibility to (ICH). Also called: Stroke, hemorrhagic, susceptibility to. Identifiers: MedGen C3281105, MONDO:0100533, OMIM 614519.

Allele frequency attached by ClinVar (database versions not stated): gnomAD exomes below 0.00001; gnomAD 0.00001.
gnomAD v4.1: 2 of 1,613,796 alleles (0.00012%); highest among the groups gnomAD compares: African/African-American, 0.0013%; no homozygotes.

Submissions (9):

Labcorp Genetics (formerly Invitae), Labcorp
Classification: Pathogenic. Last evaluated: 2025-07-01. Review status: criteria provided, single submitter. Criteria: Invitae Variant Classification Sherloc (09022015). Collection method: clinical testing. Allele origin: germline.
Comment: This sequence change replaces glycine, which is neutral and non-polar, with arginine, which is basic and polar, at codon 1383 of the COL4A2 protein (p.Gly1383Arg). This variant is not present in population databases (gnomAD no frequency). This missense change has been observed in individual(s) with clinical features of COL4A2-related conditions (PMID: 30413629, 38180561). In at least one individual the variant was observed to be de novo. It has also been observed to segregate with disease in related individuals. ClinVar contains an entry for this variant (Variation ID: 208773). Invitae Evidence Modeling of protein sequence and biophysical properties (such as structural, functional, and spatial information, amino acid conservation, physicochemical variation, residue mobility, and thermodynamic stability) has been performed for this missense variant. However, the output from this modeling did not meet the statistical confidence thresholds required to predict the impact of this variant on COL4A2 protein function. For these reasons, this variant has been classified as Pathogenic.

GeneDx
Classification: Pathogenic. Last evaluated: 2022-12-15. Review status: criteria provided, single submitter. Criteria: GeneDx Variant Classification Process June 2021. Collection method: clinical testing. Allele origin: germline. Affected: yes.
Comment: Not observed in large population cohorts (gnomAD); In silico analysis supports that this missense variant has a deleterious effect on protein structure/function; This variant is associated with the following publications: (PMID: 24001601, 26708157, 25719457, 24390199, 22333902, 22209247, 22209246, 30413629)

Institute of Human Genetics, University of Leipzig Medical Center
Classification: Likely pathogenic for Brain small vessel disease 2A, autosomal dominant. Last evaluated: 2020-10-28. Review status: criteria provided, single submitter. Criteria: ACMG Guidelines, 2015. Collection method: clinical testing. Allele origin: unknown. Affected: yes.

Molecular Diagnostics Laboratory, M Health Fairview: University of Minnesota
Classification: Likely pathogenic for Brain small vessel disease 2A, autosomal dominant. Last evaluated: 2018-04-30. Review status: criteria provided, single submitter. Criteria: ACMG Guidelines, 2015. Collection method: clinical testing. Allele origin: germline. Affected: yes. Observed: 1 variant allele.

Ambry Genetics
Classification: Likely pathogenic for Inborn genetic diseases. Last evaluated: 2014-10-20. Review status: criteria provided, single submitter. Criteria: Ambry Variant Classification Scheme 2023. Collection method: clinical testing. Allele origin: germline.
Comment: The c.4147G>A (p.G1383R) alteration is located in exon 44 (coding exon 43) of the COL4A2 gene. This alteration results from a G to A substitution at nucleotide position 4147, causing the glycine (G) at amino acid position 1383 to be replaced by an arginine (R). The alteration is not observed in healthy cohorts:_x000D_ Based on data from the NHLBI Exome Sequencing Project (ESP), the COL4A2 c.4147G>A alteration was not observed among 5,910 individuals tested. Allele frequency data for this nucleotide position are not currently available from the 1000 Genomes Project and the alteration is not currently listed in the Database of Single Nucleotide Polymorphisms (dbSNP). Though some variants may appear to be rare due to database-specific ethnic underrepresentation, rare missense alleles commonly exhibit a deleterious effect on protein function (Kryukov, 2007; Tennessen, 2012). IF USED, PULL THESE INTO REFERENCES:_x000D_ Kryukov GV, et al. (2007) Am J Hum Genet 80:727-739. Tennessen JA, et al. (2012) Science 337(64):64-69. The altered amino acid is conserved throughout evolution:_x000D_ The p.G1383 amino acid position is completely conserved in available vertebrate species. The amino acid is located in a functionally important protein domain:_x000D_ The p.G1383R amino acid is located within one of the G-X-Y repeats of the triple helical domain, which is essential for the normal folding of the triple helix. Most COL4A2 mutations in humans are substitutions of these conserved G residues and have a dominant negative effect upon protein function (reviewed in Yoneda, 2012 and Varbeek, 2012). The alteration is predicted deleterious by in silico models:_x000D_ The p.G1383R alteration is predicted to be probably damaging by Polyphen and deleterious by SIFT in silico analyses. Based on the available evidence, this alteration is classified as likely pathogenic.

Genome Diagnostics Laboratory, Amsterdam University Medical Center
Classification: Likely pathogenic. Review status: no assertion criteria provided. Collection method: clinical testing. Allele origin: germline. Affected: yes. Study: VKGL Data-share Consensus. Not counted in ClinVar's aggregate classification.

Joint Genome Diagnostic Labs from Nijmegen and Maastricht, Radboudumc and MUMC+
Classification: Likely pathogenic. Review status: no assertion criteria provided. Collection method: clinical testing. Allele origin: germline. Affected: yes. Study: VKGL Data-share Consensus. Not counted in ClinVar's aggregate classification.

Genomic Medicine Center of Excellence, King Faisal Specialist Hospital and Research Centre
Classification: Uncertain significance for Hemorrhage, intracerebral, susceptibility to. Last evaluated: 2024-04-04. Review status: flagged submission. Criteria: ACMG Guidelines, 2015. Collection method: clinical testing. Allele origin: germline. Not counted in ClinVar's aggregate classification.
ClinVar note: Reason: Outlier claim with insufficient supporting evidence

MGZ Medical Genetics Center
Classification: Uncertain significance for Brain small vessel disease 2A, autosomal dominant. Last evaluated: 2021-12-02. Review status: flagged submission. Criteria: ACMG Guidelines, 2015. Collection method: clinical testing. Allele origin: germline. Affected: yes. Observed: 1 variant allele. Not counted in ClinVar's aggregate classification.
Comment: ACMG criteria applied: PM2_SUP, PP3
ClinVar note: Reason: Outlier claim with insufficient supporting evidence

Literature cited by the submitters: PubMed 30413629 (cited by Labcorp Genetics (formerly Invitae), Labcorp); PubMed 38180561 (cited by Labcorp Genetics (formerly Invitae), Labcorp); PubMed 22333902 (cited by Molecular Diagnostics Laboratory, M Health Fairview: University of Minnesota).

NM_001846.4(COL4A2):c.4147G>A (p.Gly1383Arg)

Genes: COL4A2 (collagen type IV alpha 2 chain; plus strand), COL4A2-AS1 (COL4A2 antisense RNA 1; minus strand). Cytogenetic location: 13q34.
Variant type: single nucleotide variant.
Coding change: c.4147G>A on transcript NM_001846.4 (MANE Select); coding-DNA position 4147, G replaced by A.
Protein change: p.Gly1383Arg; replaces glycine 1383 with arginine.
Molecular consequence: missense variant.
Genome position (GRCh38, 1-based): chr13:110,503,855, G>A. VCF-style: chr13-110503855-G-A. GRCh37 (hg19) VCF-style: chr13-111156202-G-A.
Other names: short protein forms G1383R.
Identifiers: ClinVar variation 208773 (VCV000208773.20), dbSNP rs797044947, ClinGen allele CA204874.